The following is an entry in ClinVar:

NM_000138.5(FBN1):c.5147A>T (p.Lys1716Met)

Gene: FBN1 (fibrillin 1; minus strand). Cytogenetic location: 15q21.1.
Variant type: single nucleotide variant.
Coding change: c.5147A>T on transcript NM_000138.5 (MANE Select); coding-DNA position 5147, A replaced by T.
Protein change: p.Lys1716Met; replaces lysine 1716 with methionine.
Molecular consequence: missense variant.
Genome position (GRCh38, 1-based): chr15:48,463,159, T>A on the plus strand (A>T on the coding strand, the complement: FBN1 is on the minus strand). VCF-style: chr15-48463159-T-A. GRCh37 (hg19) VCF-style: chr15-48755356-T-A.
Other names: short protein forms K1716M.
Identifiers: ClinVar variation 1446304 (VCV001446304.6), dbSNP rs2043292832, ClinGen allele CA392349198.

ClinVar aggregate classification (germline): Uncertain significance (1 of 4 stars; one submission).

Conditions:
Marfan syndrome (MFS). Also called: MARFAN SYNDROME, TYPE I; Marfan syndrome type 1; Marfan's syndrome; Marfan syndrome, classic; FBN1-Related Marfan Syndrome. Identifiers: Orphanet 284963, Orphanet 558, MedGen C0024796, MONDO:0007947, OMIM 154700.
Familial thoracic aortic aneurysm and aortic dissection (TAAD). Also called: Thoracic aortic aneurysms and dissections. Identifiers: Orphanet 91387, MedGen C4707243, MONDO:0019625.

Allele frequency attached by ClinVar (database versions not stated): TOPMed below 0.00001; gnomAD 0.00001.
gnomAD v4.1: 5 of 1,614,078 alleles (0.00031%); highest among the groups gnomAD compares: Non-Finnish European, 0.00042%; no homozygotes.

Submission:

Labcorp Genetics (formerly Invitae), Labcorp
Classification: Uncertain significance for Marfan syndrome; Familial thoracic aortic aneurysm and aortic dissection. Last evaluated: 2022-10-28. Review status: criteria provided, single submitter. Criteria: Invitae Variant Classification Sherloc (09022015). Collection method: clinical testing. Allele origin: germline.
Comment: In summary, the available evidence is currently insufficient to determine the role of this variant in disease. Therefore, it has been classified as a Variant of Uncertain Significance. Advanced modeling of protein sequence and biophysical properties (such as structural, functional, and spatial information, amino acid conservation, physicochemical variation, residue mobility, and thermodynamic stability) performed at Invitae indicates that this missense variant is expected to disrupt FBN1 protein function. ClinVar contains an entry for this variant (Variation ID: 1446304). This variant has not been reported in the literature in individuals affected with FBN1-related conditions. This variant is not present in population databases (gnomAD no frequency). This sequence change replaces lysine, which is basic and polar, with methionine, which is neutral and non-polar, at codon 1716 of the FBN1 protein (p.Lys1716Met).